The following is an entry in ClinVar:

ClinVar aggregate classification (germline): Uncertain significance (1 of 4 stars; one submission).

Submission:

CeGaT Center for Human Genetics Tuebingen
Classification: Uncertain significance. Last evaluated: 2026-08-01. Review status: criteria provided, single submitter. Criteria: CeGaT Center For Human Genetics Tuebingen Variant Classification Criteria Version 2. Collection method: clinical testing. Allele origin: germline. Affected: yes. Observed: 1 variant allele.
Comment: SBF1: PM2:Supporting, BP4

NM_002972.4(SBF1):c.3567G>A (p.Gln1189=)

Gene: SBF1 (SET binding factor 1; minus strand). Cytogenetic location: 22q13.33.
Variant type: single nucleotide variant.
Coding change: c.3567G>A on transcript NM_002972.4 (MANE Select); coding-DNA position 3567, G replaced by A.
Protein change: p.Gln1189=; no amino-acid change (glutamine 1189 retained).
Molecular consequence: synonymous variant.
Genome position (GRCh38, 1-based): chr22:50,459,591, C>T on the plus strand (G>A on the coding strand, the complement: SBF1 is on the minus strand). VCF-style: chr22-50459591-C-T. GRCh37 (hg19) VCF-style: chr22-50898020-C-T.
Other names: c.3570G>A, p.Gln1190= (NM_001365819.1, NM_001410794.1); c.3567G>A, p.Gln1189= (NM_001410795.1).
Identifiers: ClinVar variation 5040569 (VCV005040569.1).